The following is an entry in ClinVar:

ClinVar aggregate classification (germline): Conflicting classifications of pathogenicity. Review status: criteria provided, conflicting classifications (1 of 4 stars). 2 submissions from 2 submitters: Uncertain significance (1); Likely benign (1). Last evaluated 2025-06-13.

Conditions:
Hereditary cancer-predisposing syndrome. Also called: Neoplastic Syndromes, Hereditary; Tumor predisposition; Hereditary Cancer Syndrome; Hereditary neoplastic syndrome. Identifiers: Orphanet 140162, MedGen C0027672, MeSH D009386, MONDO:0015356.

Submissions (2):

Ambry Genetics
Classification: Uncertain significance for Hereditary cancer-predisposing syndrome. Last evaluated: 2025-06-13. Review status: criteria provided, single submitter. Criteria: Ambry Variant Classification Scheme 2023. Collection method: clinical testing. Allele origin: germline.
Comment: The p.E881G variant (also known as c.2642A>G), located in coding exon 10 of the BRCA2 gene, results from an A to G substitution at nucleotide position 2642. The glutamic acid at codon 881 is replaced by glycine, an amino acid with similar properties. This variant was not reported in population based cohorts in the following databases: Database of Single Nucleotide Polymorphisms (dbSNP), NHLBI Exome Sequencing Project (ESP), and 1000 Genomes Project. In the ESP, this variant was not observed in 6502 samples (13004 alleles) with coverage at this position. To date, this alteration has been detected with an allele frequency of approximately 0.0003% (greater than 300000 alleles tested) in our clinical cohort. This amino acid position is well conserved in available vertebrate species. In addition, the in silico prediction for this alteration is inconclusive. Since supporting evidence is limited at this time, the clinical significance of this alteration remains unclear.

University of Washington Department of Laboratory Medicine, University of Washington
Classification: Likely benign for Hereditary cancer-predisposing syndrome. Last evaluated: 2023-03-23. Review status: criteria provided, single submitter. Criteria: Dines et al. (Genet Med. 2020). Collection method: curation. Allele origin: germline.
Comment: Missense variant in a coldspot region where missense variants are very unlikely to be pathogenic (PMID:31911673).

BRCA2 exon 11 coldspot. Reclassification based on statistical prior probability.

NM_000059.4(BRCA2):c.2642A>G (p.Glu881Gly)

Gene: BRCA2 (BRCA2 DNA repair associated; plus strand). Cytogenetic location: 13q13.1.
Variant type: single nucleotide variant.
Coding change: c.2642A>G on transcript NM_000059.4 (MANE Select); coding-DNA position 2642, A replaced by G.
Protein change: p.Glu881Gly; replaces glutamic acid 881 with glycine.
Molecular consequence: missense variant.
Genome position (GRCh38, 1-based): chr13:32,336,997, A>G. VCF-style: chr13-32336997-A-G. GRCh37 (hg19) VCF-style: chr13-32911134-A-G.
Other names: short protein forms E881G.
Identifiers: ClinVar variation 481573 (VCV000481573.8), dbSNP rs1284899820, ClinGen allele CA387773269.